The following is an entry in ClinVar:

ClinVar aggregate classification (germline): Benign/Likely benign. Review status: criteria provided, multiple submitters, no conflicts (2 of 4 stars). 14 submissions from 13 submitters: Benign (11); Likely benign (1). 2 of the submissions do not count toward it. Last evaluated 2026-02-04.

Conditions:
Polymicrogyria with or without vascular-type Ehlers-Danlos syndrome. Identifiers: Orphanet 636941, MedGen C5193040, MONDO:0032688, OMIM 618343.
Familial thoracic aortic aneurysm and aortic dissection (TAAD). Also called: Thoracic aortic aneurysms and dissections. Identifiers: Orphanet 91387, MedGen C4707243, MONDO:0019625.
Ehlers-Danlos syndrome, type 4 (EDSVASC). Also called: Ehlers-Danlos syndrome vascular type; Ehlers Danlos syndrome, ecchymotic type; Ehlers Danlos syndrome, arterial type; Ehlers Danlos syndrome, Sack-Barabas type; Ehlers-Danlos Syndrome Type IV. Identifiers: Orphanet 286, MedGen C0268338, MONDO:0017314, OMIM 130050.

Allele frequency attached by ClinVar (database versions not stated): ESP Exome Variant Server 0.99493; TOPMed 0.99500; gnomAD 0.99509 and 0.99553; 1000 Genomes Project 30x 0.99656; 1000 Genomes Project 0.99661; ExAC 0.99851; gnomAD exomes 0.99873 and 0.99950.
gnomAD v4.1: 1,612,705 of 1,614,158 alleles (100%); highest among the groups gnomAD compares: East Asian, 100%; 805,640 homozygotes.

Submissions (15):

Labcorp Genetics (formerly Invitae), Labcorp
Classification: Benign for Ehlers-Danlos syndrome, type 4. Last evaluated: 2026-02-04. Review status: criteria provided, single submitter. Criteria: Invitae Variant Classification Sherloc (09022015). Collection method: clinical testing. Allele origin: germline.

ARUP Laboratories, Molecular Genetics and Genomics, ARUP Laboratories
Classification: Benign. Last evaluated: 2025-07-29. Review status: criteria provided, single submitter. Criteria: ARUP Molecular Germline Variant Investigation Process 2024. Collection method: clinical testing. Allele origin: germline.

Blueprint Genetics
Classification: Likely benign. Last evaluated: 2024-11-26. Review status: criteria provided, single submitter. Criteria: ACMG Guidelines, 2015. Collection method: clinical testing. Allele origin: germline.

All of Us Research Program, National Institutes of Health
Classification: Benign for Ehlers-Danlos syndrome, type 4. Last evaluated: 2024-10-03. Review status: criteria provided, single submitter. Criteria: ACMG Guidelines, 2015. Collection method: clinical testing. Allele origin: germline. Inheritance: Autosomal dominant inheritance. Observed: 143,466 variant alleles, 431 heterozygotes, 143,003 homozygotes, 32 hemizygotes.
Comment: This study involves interpretation of variants in research participants for the purpose of population health screening. Participant phenotype was not available at the time of variant classification. Additional details can be found in publication PMID: 35346344, PMCID: PMC8962531

Genome-Nilou Lab
Classification: Benign for Ehlers-Danlos syndrome, type 4. Last evaluated: 2021-07-22. Review status: criteria provided, single submitter. Criteria: ACMG Guidelines, 2015. Collection method: clinical testing. Allele origin: germline. Affected: no.

Genome-Nilou Lab
Classification: Benign for Polymicrogyria with or without vascular-type Ehlers-Danlos syndrome. Last evaluated: 2021-07-22. Review status: criteria provided, single submitter. Criteria: ACMG Guidelines, 2015. Collection method: clinical testing. Allele origin: germline. Affected: no.

Mendelics
Classification: Benign for Ehlers-Danlos syndrome, type 4. Last evaluated: 2019-05-28. Review status: criteria provided, single submitter. Criteria: Mendelics Assertion Criteria 2017. Collection method: clinical testing. Allele origin: unknown.

Color Diagnostics, LLC DBA Color Health
Classification: Benign for Familial thoracic aortic aneurysm and aortic dissection. Last evaluated: 2018-03-05. Review status: criteria provided, single submitter. Criteria: ACMG Guidelines, 2015. Collection method: clinical testing. Allele origin: germline.

Eurofins Ntd Llc (ga)
Classification: Benign. Last evaluated: 2017-01-05. Review status: criteria provided, single submitter. Criteria: EGL Classification Definitions 2015. Collection method: clinical testing. Allele origin: germline. Observed: 1 variant allele, 1 homozygote.

Laboratory for Molecular Medicine, Mass General Brigham Personalized Medicine
Classification: Benign. Last evaluated: 2014-12-02. Review status: criteria provided, single submitter. Criteria: LMM Criteria. Collection method: clinical testing. Allele origin: germline. Observed: 35 variant alleles.
Comment: This is a RefSeq error. The reference base (c.4059T) is the minor allele. This a llele (T) has been identified in 1.5% (66/4406) of African American chromosomes by the NHLBI Exome Sequencing Project (dbSNP rs1516446) and thus meets criteria to be classified as benign.

Ambry Genetics
Classification: Benign for Thoracic aortic aneurysms and aortic dissections. Last evaluated: 2014-11-19. Review status: criteria provided, single submitter. Criteria: Ambry Autosomal Dominant and X-Linked criteria (10/2015). Collection method: clinical testing. Allele origin: germline. Observed: 1 variant allele.

Breakthrough Genomics
Classification: Benign. Review status: criteria provided, single submitter. Criteria: ACMG Guidelines, 2015. Collection method: not provided. Allele origin: germline. Inheritance: Autosomal recessive inheritance. Affected: yes.

Diagnostic Laboratory, Department of Genetics, University Medical Center Groningen
Classification: Benign. Review status: no assertion criteria provided. Collection method: clinical testing. Allele origin: germline. Affected: yes. Study: VKGL Data-share Consensus. Not counted in ClinVar's aggregate classification.

Dr. Peter K. Rogan Lab, Western University
No classification provided (evidence only). Condition: Familial cancer of breast. Review status: no classification provided. Collection method: in vitro. Allele origin: not applicable. Functional consequence: retained intron. Not counted in ClinVar's aggregate classification.

Genome Diagnostics Laboratory, Amsterdam University Medical Center
Classification: Benign. Review status: no assertion criteria provided. Collection method: clinical testing. Allele origin: germline. Affected: yes. Study: VKGL Data-share Consensus. Not counted in ClinVar's aggregate classification.

NM_000090.4(COL3A1):c.4059T>G (p.His1353Gln)

Gene: COL3A1 (collagen type III alpha 1 chain; plus strand). Cytogenetic location: 2q32.2.
Variant type: single nucleotide variant.
Coding change: c.4059T>G on transcript NM_000090.4 (MANE Select); coding-DNA position 4059, T replaced by G.
Protein change: p.His1353Gln; replaces histidine 1353 with glutamine.
Molecular consequence: missense variant.
Genome position (GRCh38, 1-based): chr2:189,010,695, T>G. VCF-style: chr2-189010695-T-G. GRCh37 (hg19) VCF-style: chr2-189875421-T-G.
Other names: short protein forms H1353Q.
Identifiers: ClinVar variation 226540 (VCV000226540.46), dbSNP rs1516446, ClinGen allele CA076434.